The following is an entry in ClinVar:

NM_025150.5(TARS2):c.521G>A (p.Arg174Gln)

Gene: TARS2 (threonyl-tRNA synthetase 2, mitochondrial; plus strand). Cytogenetic location: 1q21.2.
Variant type: single nucleotide variant.
Coding change: c.521G>A on transcript NM_025150.5 (MANE Select); coding-DNA position 521, G replaced by A.
Protein change: p.Arg174Gln; replaces arginine 174 with glutamine.
Molecular consequence: missense variant. On other transcripts: non-coding transcript variant (1).
Genome position (GRCh38, 1-based): chr1:150,491,402, G>A. VCF-style: chr1-150491402-G-A. GRCh37 (hg19) VCF-style: chr1-150463878-G-A.
Other names: c.521G>A, p.Arg174Gln (NM_001271895.2, NM_001271896.2); short protein forms R174Q.
Identifiers: ClinVar variation 1414648 (VCV001414648.6), dbSNP rs772356195, ClinGen allele CA1076715.

ClinVar aggregate classification (germline): Uncertain significance (1 of 4 stars; one submission).

Allele frequency attached by ClinVar (database versions not stated): ExAC 0.00001; gnomAD exomes 0.00002.

Submission:

Labcorp Genetics (formerly Invitae), Labcorp
Classification: Uncertain significance. Last evaluated: 2023-07-10. Review status: criteria provided, single submitter. Criteria: Invitae Variant Classification Sherloc (09022015). Collection method: clinical testing. Allele origin: germline.
Comment: This variant has not been reported in the literature in individuals affected with TARS2-related conditions. In summary, the available evidence is currently insufficient to determine the role of this variant in disease. Therefore, it has been classified as a Variant of Uncertain Significance. Advanced modeling of protein sequence and biophysical properties (such as structural, functional, and spatial information, amino acid conservation, physicochemical variation, residue mobility, and thermodynamic stability) performed at Invitae indicates that this missense variant is not expected to disrupt TARS2 protein function. ClinVar contains an entry for this variant (Variation ID: 1414648). This variant is present in population databases (rs772356195, gnomAD 0.007%). This sequence change replaces arginine, which is basic and polar, with glutamine, which is neutral and polar, at codon 174 of the TARS2 protein (p.Arg174Gln).